The following is an entry in ClinVar:

NM_001382273.1(TNK2):c.2843G>A (p.Arg948Gln)

Gene: TNK2 (tyrosine kinase non receptor 2; minus strand). Cytogenetic location: 3q29.
Variant type: single nucleotide variant.
Coding change: c.2843G>A on transcript NM_001382273.1 (MANE Select); coding-DNA position 2843, G replaced by A.
Protein change: p.Arg948Gln; replaces arginine 948 with glutamine.
Molecular consequence: missense variant. On other transcripts: non-coding transcript variant (15).
Genome position (GRCh38, 1-based): chr3:195,867,455, C>T on the plus strand (G>A on the coding strand, the complement: TNK2 is on the minus strand). VCF-style: chr3-195867455-C-T. GRCh37 (hg19) VCF-style: chr3-195594326-C-T.
Other names: c.2915G>A, p.Arg972Gln (NM_001010938.2, NM_001382272.1); c.2894G>A, p.Arg965Gln (NM_001308046.2, NM_001382271.1); c.2843G>A, p.Arg948Gln (NM_001382274.1, NM_001387716.1, NM_001387717.1 and 1 more transcripts); c.2939G>A, p.Arg980Gln (NM_001382275.1, NM_001387707.1); c.2798G>A, p.Arg933Gln (NM_001386164.1, NM_001387709.1, NM_001387710.1 and 8 more transcripts); c.2870G>A, p.Arg957Gln (NM_001387708.1, NM_001387715.1); c.3032G>A (NM_001010938.1); short protein forms R933Q, R948Q, R957Q, R965Q, R980Q, R972Q.
Identifiers: ClinVar variation 2158511 (VCV002158511.5), dbSNP rs751199844, ClinGen allele CA2775790.

ClinVar aggregate classification (germline): Uncertain significance. Review status: criteria provided, multiple submitters, no conflicts (2 of 4 stars). 2 submissions from 2 submitters: Uncertain significance (2). Last evaluated 2025-03-25.

Allele frequency attached by ClinVar (database versions not stated): ExAC 0.00001; gnomAD 0.00001; TOPMed 0.00003.
gnomAD v4.1: 31 of 1,589,798 alleles (0.0019%); highest among the groups gnomAD compares: Admixed American, 0.0034%; no homozygotes.

Submissions (2):

Ambry Genetics
Classification: Uncertain significance. Last evaluated: 2025-03-25. Review status: criteria provided, single submitter. Criteria: Ambry Variant Classification Scheme 2023. Collection method: clinical testing. Allele origin: germline.

Labcorp Genetics (formerly Invitae), Labcorp
Classification: Uncertain significance. Last evaluated: 2023-05-22. Review status: criteria provided, single submitter. Criteria: Invitae Variant Classification Sherloc (09022015). Collection method: clinical testing. Allele origin: germline.
Comment: In summary, the available evidence is currently insufficient to determine the role of this variant in disease. Therefore, it has been classified as a Variant of Uncertain Significance. Algorithms developed to predict the effect of missense changes on protein structure and function output the following: SIFT: "Not Available"; PolyPhen-2: "Benign"; Align-GVGD: "Not Available". The glutamine amino acid residue is found in multiple mammalian species, which suggests that this missense change does not adversely affect protein function. ClinVar contains an entry for this variant (Variation ID: 2158511). This variant has not been reported in the literature in individuals affected with TNK2-related conditions. The frequency data for this variant in the population databases is considered unreliable, as metrics indicate poor data quality at this position in the gnomAD database. This sequence change replaces arginine, which is basic and polar, with glutamine, which is neutral and polar, at codon 1011 of the TNK2 protein (p.Arg1011Gln).